The following is an entry in ClinVar:

NM_005879.3(TRAIP):c.645del (p.Lys216fs)

Gene: TRAIP (TRAF interacting protein; minus strand). Cytogenetic location: 3p21.31.
Variant type: Deletion.
Coding change: c.645del on transcript NM_005879.3 (MANE Select); coding-DNA position 645, one base deleted (G; older notation c.645delG).
Protein change: p.Lys216fs; shifts the reading frame from lysine 216.
Molecular consequence: frameshift variant.
Genome position (GRCh38, 1-based): chr3:49,841,045, C deleted on the plus strand (G on the coding strand, the reverse complement: TRAIP is on the minus strand); the first of 2 consecutive C bases (chr3:49,841,045-49,841,046); deleting either gives the same sequence. VCF-style (leftmost placement, unchanged base first): chr3-49841044-TC-T. GRCh37 (hg19) VCF-style: chr3-49878477-TC-T.
Other names: short protein forms K216fs.
Identifiers: ClinVar variation 5006650 (VCV005006650.2).

ClinVar aggregate classification (germline): Likely pathogenic (1 of 4 stars; one submission).

Conditions:
Seckel syndrome 9 (SCKL9). Identifiers: Orphanet 808, MedGen C4225212, MONDO:0014767, OMIM 616777.

Submission:

Juno Genomics, Hangzhou Juno Genomics, Inc
Classification: Likely pathogenic for Seckel syndrome 9. Review status: criteria provided, single submitter. Criteria: ACMG Guidelines, 2015. Collection method: clinical testing. Allele origin: germline.
Comment: Null variant in a gene where loss of function (LOF) is a known mechanism of disease.;Absent from controls (or at extremely low frequency if recessive) in Genome Aggregation Database.